The following is an entry in ClinVar:

ClinVar aggregate classification (germline): Uncertain significance (1 of 4 stars; one submission).

Submission:

GeneDx
Classification: Uncertain significance. Last evaluated: 2020-01-29. Review status: criteria provided, single submitter. Criteria: GeneDx Variant Classification Process June 2021. Collection method: clinical testing. Allele origin: germline. Affected: yes.
Comment: Not observed in large population cohorts (Lek et al., 2016); In silico analysis supports that this missense variant has a deleterious effect on protein structure/function; In silico analysis suggests this variant may impact gene splicing. In the absence of RNA/functional studies, the actual effect of this sequence change is unknown.; Has not been previously published as pathogenic or benign to our knowledge

NM_002715.4(PPP2CA):c.74A>T (p.Glu25Val)

Genes: MIR3661 (microRNA 3661; plus strand), PPP2CA (protein phosphatase 2 catalytic subunit alpha; minus strand). Cytogenetic location: 5q31.1.
Variant type: single nucleotide variant.
Coding change: c.74A>T on transcript NM_002715.4 (MANE Select); coding-DNA position 74, A replaced by T.
Protein change: p.Glu25Val; replaces glutamic acid 25 with valine.
Molecular consequence: missense variant. On other transcripts: non-coding transcript variant (1).
Genome position (GRCh38, 1-based): chr5:134,225,788, T>A on the plus strand (A>T on the coding strand, the complement: PPP2CA is on the minus strand). VCF-style: chr5-134225788-T-A. GRCh37 (hg19) VCF-style: chr5-133561479-T-A.
Other names: short protein forms E25V.
Identifiers: ClinVar variation 1315132 (VCV001315132.2), dbSNP rs2149390333, ClinGen allele CA360995966.